The following is an entry in ClinVar:

ClinVar aggregate classification (germline): Uncertain significance (1 of 4 stars; one submission).

Conditions:
Aortic aneurysm, familial thoracic 6 (AAT6). Also called: FAMILIAL THORACIC AORTIC ANEURYSM WITH LIVEDO RETICULARIS AND IRIS FLOCCULI. Identifiers: MedGen C2673186, MONDO:0012730, OMIM 611788.

Submission:

Labcorp Genetics (formerly Invitae), Labcorp
Classification: Uncertain significance for Aortic aneurysm, familial thoracic 6. Last evaluated: 2025-04-19. Review status: criteria provided, single submitter. Criteria: Invitae Variant Classification Sherloc (09022015). Collection method: clinical testing. Allele origin: germline.
Comment: This sequence change replaces cysteine, which is neutral and slightly polar, with serine, which is neutral and polar, at codon 19 of the ACTA2 protein (p.Cys19Ser). This variant is not present in population databases (gnomAD no frequency). This variant has not been reported in the literature in individuals affected with ACTA2-related conditions. ClinVar contains an entry for this variant (Variation ID: 2717812). Invitae Evidence Modeling of protein sequence and biophysical properties (such as structural, functional, and spatial information, amino acid conservation, physicochemical variation, residue mobility, and thermodynamic stability) indicates that this missense variant is not expected to disrupt ACTA2 protein function with a negative predictive value of 80%. This variant disrupts the p.Cys19 amino acid residue in ACTA2. Other variant(s) that disrupt this residue have been determined to be pathogenic (PMID: 25759435; internal data). This suggests that this residue is clinically significant, and that variants that disrupt this residue are likely to be disease-causing. In summary, the available evidence is currently insufficient to determine the role of this variant in disease. Therefore, it has been classified as a Variant of Uncertain Significance.

Literature cited by the submitters: PubMed 25759435.

NM_001613.4(ACTA2):c.56G>C (p.Cys19Ser)

Gene: ACTA2 (actin alpha 2, smooth muscle; minus strand). Cytogenetic location: 10q23.31.
Variant type: single nucleotide variant.
Coding change: c.56G>C on transcript NM_001613.4 (MANE Select); coding-DNA position 56, G replaced by C.
Protein change: p.Cys19Ser; replaces cysteine 19 with serine.
Molecular consequence: missense variant.
Genome position (GRCh38, 1-based): chr10:88,948,875, C>G on the plus strand (G>C on the coding strand, the complement: ACTA2 is on the minus strand). VCF-style: chr10-88948875-C-G. GRCh37 (hg19) VCF-style: chr10-90708632-C-G.
Other names: c.56G>C, p.Cys19Ser (NM_001141945.3, NM_001320855.2, NM_001406462.1 and 7 more transcripts); short protein forms C19S.
Identifiers: ClinVar variation 2717812 (VCV002717812.3), dbSNP rs2494578654, ClinGen allele CA377513734.
Genomic context (GRCh38, chr10:88,948,875, plus strand): 5'-CGTCCCACAATGGATGGGAAAACAGCCCTGGGAGCATCGTCCCCAGCAAAGCCGGCCTTA[C>G]AGAGCCCAGAGCCATTGTCACACACCAAGGCAGTGCTGTCCTCTTCTTCACACATAGCTG-3'
Protein context (NP_001604.1, residues 9-29): ALVCDNGSGL[Cys19Ser]KAGFAGDDAP